The following is an entry in ClinVar:

NM_025150.5(TARS2):c.2110G>C (p.Val704Leu)

Gene: TARS2 (threonyl-tRNA synthetase 2, mitochondrial; plus strand). Cytogenetic location: 1q21.2.
Variant type: single nucleotide variant.
Coding change: c.2110G>C on transcript NM_025150.5 (MANE Select); coding-DNA position 2110, G replaced by C.
Protein change: p.Val704Leu; replaces valine 704 with leucine.
Molecular consequence: missense variant. On other transcripts: non-coding transcript variant (2).
Genome position (GRCh38, 1-based): chr1:150,507,017, G>C. VCF-style: chr1-150507017-G-C. GRCh37 (hg19) VCF-style: chr1-150479493-G-C.
Other names: c.1864G>C, p.Val622Leu (NM_001271895.2); c.1720G>C, p.Val574Leu (NM_001271896.2); short protein forms V574L, V704L, V622L.
Identifiers: ClinVar variation 1943663 (VCV001943663.6), dbSNP rs773862035, ClinGen allele CA1077258.

ClinVar aggregate classification (germline): Conflicting classifications of pathogenicity. Review status: criteria provided, conflicting classifications (1 of 4 stars). 2 submissions from 2 submitters: Uncertain significance (1); Likely benign (1). Last evaluated 2022-08-10.

Conditions:
Inborn genetic diseases. Identifiers: MedGen C0950123, MeSH D030342.

Allele frequency attached by ClinVar (database versions not stated): gnomAD 0.00001; ExAC 0.00003; TOPMed 0.00003.
gnomAD v4.1: 12 of 1,614,024 alleles (0.00074%); highest among the groups gnomAD compares: East Asian, 0.027%; no homozygotes.

Submissions (2):

Labcorp Genetics (formerly Invitae), Labcorp
Classification: Uncertain significance. Last evaluated: 2022-08-10. Review status: criteria provided, single submitter. Criteria: Invitae Variant Classification Sherloc (09022015). Collection method: clinical testing. Allele origin: germline.
Comment: In summary, the available evidence is currently insufficient to determine the role of this variant in disease. Therefore, it has been classified as a Variant of Uncertain Significance. Algorithms developed to predict the effect of missense changes on protein structure and function output the following: SIFT: "Tolerated"; PolyPhen-2: "Benign"; Align-GVGD: "Class C0". The leucine amino acid residue is found in multiple mammalian species, which suggests that this missense change does not adversely affect protein function. This variant has not been reported in the literature in individuals affected with TARS2-related conditions. The frequency data for this variant in the population databases is considered unreliable, as metrics indicate poor data quality at this position in the gnomAD database. This sequence change replaces valine, which is neutral and non-polar, with leucine, which is neutral and non-polar, at codon 704 of the TARS2 protein (p.Val704Leu).

Ambry Genetics
Classification: Likely benign for Inborn genetic diseases. Last evaluated: 2021-11-23. Review status: criteria provided, single submitter. Criteria: Ambry Variant Classification Scheme 2023. Collection method: clinical testing. Allele origin: germline.